The following is an entry in ClinVar:

ClinVar aggregate classification (germline): Uncertain significance. Review status: criteria provided, multiple submitters, no conflicts (2 of 4 stars). 2 submissions from 2 submitters: Uncertain significance (2). Last evaluated 2025-10-17.

Conditions:
CHD7-related disorder. Also called: CHD7-related condition.
CHARGE syndrome (CHARGE). Also called: Hittner Hirsch Kreh syndrome; CHARGE ASSOCIATION--COLOBOMA, HEART ANOMALY, CHOANAL ATRESIA, RETARDATION, GENITAL AND EAR ANOMALIES; Coloboma, heart anomaly, choanal atresia, retardation, genital and ear anomalies; CHARGE association; Hall-Hittner syndrome. Identifiers: Orphanet 138, MedGen C0265354, MONDO:0008965.

Submissions (2):

3billion
Classification: Uncertain significance for CHD7-related disorder. Last evaluated: 2025-10-17. Review status: criteria provided, single submitter. Criteria: ACMG Guidelines, 2015. Collection method: clinical testing. Allele origin: germline. Affected: yes.
Comment: The variant is not observed in the gnomAD v4.1.0 dataset. Predicted Consequence/Location: Missense variant In silico tools predict the variant to alter splicing and produce an abnormal transcript [SpliceAI: 0.54 (>=0.2, moderate evidence for spliceogenicity)]. The variant has been reported as of uncertain significance (ClinVar ID: VCV002761136). Therefore, this variant is classified as VUS according to the recommendation of ACMG/AMP guideline.

Labcorp Genetics (formerly Invitae), Labcorp
Classification: Uncertain significance for CHARGE syndrome. Last evaluated: 2023-09-17. Review status: criteria provided, single submitter. Criteria: Invitae Variant Classification Sherloc (09022015). Collection method: clinical testing. Allele origin: germline.
Comment: Algorithms developed to predict the effect of sequence changes on RNA splicing suggest that this variant may create or strengthen a splice site. In summary, the available evidence is currently insufficient to determine the role of this variant in disease. Therefore, it has been classified as a Variant of Uncertain Significance. Advanced modeling of protein sequence and biophysical properties (such as structural, functional, and spatial information, amino acid conservation, physicochemical variation, residue mobility, and thermodynamic stability) performed at Invitae indicates that this missense variant is not expected to disrupt CHD7 protein function. This variant has not been reported in the literature in individuals affected with CHD7-related conditions. This variant is not present in population databases (gnomAD no frequency). This sequence change replaces lysine, which is basic and polar, with arginine, which is basic and polar, at codon 2464 of the CHD7 protein (p.Lys2464Arg).

NM_017780.4(CHD7):c.7391A>G (p.Lys2464Arg)

Gene: CHD7 (chromodomain helicase DNA binding protein 7; plus strand). Cytogenetic location: 8q12.2.
Variant type: single nucleotide variant.
Coding change: c.7391A>G on transcript NM_017780.4 (MANE Select); coding-DNA position 7391, A replaced by G.
Protein change: p.Lys2464Arg; replaces lysine 2464 with arginine.
Molecular consequence: missense variant. On other transcripts: intron variant (1).
Genome position (GRCh38, 1-based): chr8:60,856,671, A>G. VCF-style: chr8-60856671-A-G. GRCh37 (hg19) VCF-style: chr8-61769230-A-G.
Other names: c.1717-5558A>G (NM_001316690.1); short protein forms K2464R.
Identifiers: ClinVar variation 2761136 (VCV002761136.4), dbSNP rs2488075764, ClinGen allele CA371301373.